The following is an entry in ClinVar:

ClinVar aggregate classification (germline): Uncertain significance (0 of 4 stars; one submission).

Conditions:
KDM4B-related disorder. Also called: KDM4B-related condition.

Submission:

PreventionGenetics, part of Exact Sciences
Classification: Uncertain significance for KDM4B-related condition. Last evaluated: 2024-08-23. Review status: no assertion criteria provided. Collection method: clinical testing. Allele origin: germline.
Comment: The KDM4B c.1478G>A variant is predicted to result in the amino acid substitution p.Gly493Asp. To our knowledge, this variant has not been reported in the literature or in a large population database, indicating this variant is rare. At this time, the clinical significance of this variant is uncertain due to the absence of conclusive functional and genetic evidence.

NM_015015.3(KDM4B):c.1478G>A (p.Gly493Asp)

Gene: KDM4B (lysine demethylase 4B; plus strand). Cytogenetic location: 19p13.3.
Variant type: single nucleotide variant.
Coding change: c.1478G>A on transcript NM_015015.3 (MANE Select); coding-DNA position 1478, G replaced by A.
Protein change: p.Gly493Asp; replaces glycine 493 with aspartic acid.
Molecular consequence: missense variant.
Genome position (GRCh38, 1-based): chr19:5,131,238, G>A. VCF-style: chr19-5131238-G-A. GRCh37 (hg19) VCF-style: chr19-5131249-G-A.
Other names: c.1580G>A, p.Gly527Asp (NM_001411148.1); short protein forms G493D, G527D.
Identifiers: ClinVar variation 3352987 (VCV003352987.1).
Genomic context (GRCh38, chr19:5,131,238, plus strand): 5'-TCCCCTCAGAGGAGGCGCTGTGGCTGCCATCCCCACTGGAGCCCCCGGTGCTGGGCCCAG[G>A]CCCTGCAGCCATGGAGGAGAGCCCCCTGCCGGCACCCCTTAATGTCGTGCCCCCTGAGGT-3'
Protein context (NP_055830.1, residues 483-503): SPLEPPVLGP[Gly493Asp]PAAMEESPLP